The following is an entry in ClinVar:

ClinVar aggregate classification (germline): Uncertain significance. Review status: criteria provided, multiple submitters, no conflicts (2 of 4 stars). 2 submissions from 2 submitters: Uncertain significance (2). Last evaluated 2025-08-07.

Conditions:
Familial thoracic aortic aneurysm and aortic dissection (TAAD). Also called: Thoracic aortic aneurysms and dissections. Identifiers: Orphanet 91387, MedGen C4707243, MONDO:0019625.
Heterotopia, periventricular, X-linked dominant (PVNH1). Also called: PERIVENTRICULAR NODULAR HETEROTOPIA 1; X-linked periventricular heterotopia; PERIVENTRICULAR NODULAR HETEROTOPIA 4; HETEROTOPIA, PERIVENTRICULAR, 1. Identifiers: Orphanet 2149, Orphanet 82004, MedGen C1848213, MONDO:0010233, OMIM 300049.
Oto-palato-digital syndrome, type II (OPD2). Also called: FACIOPALATOOSSEOUS SYNDROME; OPD II SYNDROME; Otopalatodigital Syndrome Type 2 (FLNA-OPD2); Otopalatodigital Syndrome, Type II. Identifiers: Orphanet 669, Orphanet 90652, MedGen C1844696, MONDO:0010571, OMIM 304120.
Frontometaphyseal dysplasia (FMD1). Identifiers: Orphanet 1826, MedGen C0265293, MONDO:0015942.
Melnick-Needles syndrome (MNS). Also called: MELNICK-NEEDLES OSTEODYSPLASTY; OSTEODYSPLASTY OF MELNICK AND NEEDLES; Melnick-Needles Syndrome (FLNA-MNS). Identifiers: Orphanet 2484, MedGen C0025237, MONDO:0010650, OMIM 309350.

Allele frequency attached by ClinVar (database versions not stated): gnomAD exomes 0.00001 and 0.00003.

Submissions (2):

Ambry Genetics
Classification: Uncertain significance for Familial thoracic aortic aneurysm and aortic dissection. Last evaluated: 2025-08-07. Review status: criteria provided, single submitter. Criteria: Ambry Variant Classification Scheme 2023. Collection method: clinical testing. Allele origin: germline.
Comment: The c.2826+4G>A intronic variant results from a G to A substitution 4 nucleotides after coding exon 18 in the FLNA gene. Based on data from gnomAD, the A allele has an overall frequency of <0.01% (1/180868) total alleles studied, with 0 hemizygote(s) observed. The highest observed frequency was <0.01% (1/13549) of East Asian alleles. This nucleotide position is not well conserved in available vertebrate species. In silico splice site analysis predicts that this alteration will not have any significant effect on splicing. Since supporting evidence is limited at this time, the clinical significance of this alteration remains unclear.

Labcorp Genetics (formerly Invitae), Labcorp
Classification: Uncertain significance for Oto-palato-digital syndrome, type II; Heterotopia, periventricular, X-linked dominant; Frontometaphyseal dysplasia; Melnick-Needles syndrome. Last evaluated: 2025-01-14. Review status: criteria provided, single submitter. Criteria: Invitae Variant Classification Sherloc (09022015). Collection method: clinical testing. Allele origin: germline.
Comment: This sequence change falls in intron 19 of the FLNA gene. It does not directly change the encoded amino acid sequence of the FLNA protein. It affects a nucleotide within the consensus splice site. This variant is present in population databases (no rsID available, gnomAD 0.008%). This variant has not been reported in the literature in individuals affected with FLNA-related conditions. ClinVar contains an entry for this variant (Variation ID: 464981). Variants that disrupt the consensus splice site are a relatively common cause of aberrant splicing (PMID: 17576681, 9536098). Algorithms developed to predict the effect of sequence changes on RNA splicing suggest that this variant is not likely to affect RNA splicing. In summary, the available evidence is currently insufficient to determine the role of this variant in disease. Therefore, it has been classified as a Variant of Uncertain Significance.

Literature cited by the submitters: PubMed 17576681 (cited by Labcorp Genetics (formerly Invitae), Labcorp); PubMed 9536098 (cited by Labcorp Genetics (formerly Invitae), Labcorp).

NM_001110556.2(FLNA):c.2826+4G>A

Gene: FLNA (filamin A; minus strand). Cytogenetic location: Xq28.
Variant type: single nucleotide variant.
Coding change: c.2826+4G>A on transcript NM_001110556.2 (MANE Select); 4 bases into the intron after coding-DNA position 2826, G replaced by A.
Molecular consequence: intron variant.
Genome position (GRCh38, 1-based): chrX:154,361,975, C>T on the plus strand (G>A on the coding strand, the complement: FLNA is on the minus strand). VCF-style: chrX-154361975-C-T. GRCh37 (hg19) VCF-style: chrX-153590343-C-T.
Other names: c.2826+4G>A (NM_001456.4).
Identifiers: ClinVar variation 464981 (VCV000464981.12), dbSNP rs1037180469, ClinGen allele CA337281526.